The following is an entry in ClinVar:

ClinVar aggregate classification (germline): Likely benign. Review status: criteria provided, single submitter (1 of 4 stars). 2 submissions from 2 submitters: Likely benign (1). 1 of the submissions does not count toward it. Last evaluated 2018-04-13.

Conditions:
HOXA1-related syndrome. Also called: HOXA1-related disorder; HOXA1-Related Disorders; Human HOXA1 syndromes; HOXA1-related condition. Identifiers: MedGen CN381531, MONDO:0011099.

Allele frequency attached by ClinVar (database versions not stated): gnomAD exomes 0.00001 and 0.00006; ExAC 0.00008; ESP Exome Variant Server 0.00015; gnomAD 0.00023 and 0.00026; TOPMed 0.00028.

Submissions (2):

Labcorp Genetics (formerly Invitae), Labcorp
Classification: Likely benign. Last evaluated: 2018-04-13. Review status: criteria provided, single submitter. Criteria: Invitae Variant Classification Sherloc (09022015). Collection method: clinical testing. Allele origin: germline.

PreventionGenetics, part of Exact Sciences
Classification: Likely benign for HOXA1-related condition. Last evaluated: 2019-08-19. Review status: no assertion criteria provided. Collection method: clinical testing. Allele origin: germline. Not counted in ClinVar's aggregate classification.
Comment: This variant is classified as likely benign based on ACMG/AMP sequence variant interpretation guidelines (Richards et al. 2015 PMID: 25741868, with internal and published modifications).

NM_005522.5(HOXA1):c.510C>T (p.Ser170=)

Gene: HOXA1 (homeobox A1; minus strand). Cytogenetic location: 7p15.2.
Variant type: single nucleotide variant.
Coding change: c.510C>T on transcript NM_005522.5 (MANE Select); coding-DNA position 510, C replaced by T.
Protein change: p.Ser170=; no amino-acid change (serine 170 retained).
Molecular consequence: synonymous variant. On other transcripts: intron variant (1).
Genome position (GRCh38, 1-based): chr7:27,095,403, G>A on the plus strand (C>T on the coding strand, the complement: HOXA1 is on the minus strand). VCF-style: chr7-27095403-G-A. GRCh37 (hg19) VCF-style: chr7-27135022-G-A.
Other names: c.355-48C>T (NM_153620.3).
Identifiers: ClinVar variation 705897 (VCV000705897.5), dbSNP rs371251168, ClinGen allele CA4195926.